The following is an entry in ClinVar:

ClinVar aggregate classification (germline): Uncertain significance (1 of 4 stars; one submission).

Conditions:
Left ventricular noncompaction 1 (LVNC1). Also called: LEFT VENTRICULAR NONCOMPACTION 1 WITH OR WITHOUT CONGENITAL HEART DEFECTS. Identifiers: Orphanet 54260, MedGen C1858725, MONDO:0011403, OMIM 604169.

gnomAD v4.1: 1 of 1,613,912 alleles (0.000062%); highest among the groups gnomAD compares: Non-Finnish European, 0.000085%; no homozygotes.

Submission:

Labcorp Genetics (formerly Invitae), Labcorp
Classification: Uncertain significance for Left ventricular noncompaction 1. Last evaluated: 2023-04-05. Review status: criteria provided, single submitter. Criteria: Invitae Variant Classification Sherloc (09022015). Collection method: clinical testing. Allele origin: germline.
Comment: ClinVar contains an entry for this variant (Variation ID: 1466032). Advanced modeling of protein sequence and biophysical properties (such as structural, functional, and spatial information, amino acid conservation, physicochemical variation, residue mobility, and thermodynamic stability) performed at Invitae indicates that this missense variant is not expected to disrupt DTNA protein function. Algorithms developed to predict the effect of sequence changes on RNA splicing suggest that this variant may disrupt the consensus splice site. In summary, the available evidence is currently insufficient to determine the role of this variant in disease. Therefore, it has been classified as a Variant of Uncertain Significance. This variant has not been reported in the literature in individuals affected with DTNA-related conditions. This sequence change replaces alanine, which is neutral and non-polar, with serine, which is neutral and polar, at codon 135 of the DTNA protein (p.Ala135Ser). This variant is not present in population databases (gnomAD no frequency).

NM_001386795.1(DTNA):c.403G>T (p.Ala135Ser)

Gene: DTNA (dystrobrevin alpha; plus strand). Cytogenetic location: 18q12.1.
Variant type: single nucleotide variant.
Coding change: c.403G>T on transcript NM_001386795.1 (MANE Select); coding-DNA position 403, G replaced by T.
Protein change: p.Ala135Ser; replaces alanine 135 with serine.
Molecular consequence: missense variant.
Genome position (GRCh38, 1-based): chr18:34,806,259, G>T. VCF-style: chr18-34806259-G-T. GRCh37 (hg19) VCF-style: chr18-32386223-G-T.
Other names: c.403G>T, p.Ala135Ser (NM_001128175.2, NM_001198938.2, NM_001198939.2 and 35 more transcripts); short protein forms A135S.
Identifiers: ClinVar variation 1466032 (VCV001466032.6), dbSNP rs2149253090, ClinGen allele CA402275314.